The following is an entry in ClinVar:

NM_000228.3(LAMB3):c.2873G>A (p.Arg958His)

Gene: LAMB3 (laminin subunit beta 3; minus strand). Cytogenetic location: 1q32.2.
Variant type: single nucleotide variant.
Coding change: c.2873G>A on transcript NM_000228.3 (MANE Select); coding-DNA position 2873, G replaced by A.
Protein change: p.Arg958His; replaces arginine 958 with histidine.
Molecular consequence: missense variant.
Genome position (GRCh38, 1-based): chr1:209,618,488, C>T on the plus strand (G>A on the coding strand, the complement: LAMB3 is on the minus strand). VCF-style: chr1-209618488-C-T. GRCh37 (hg19) VCF-style: chr1-209791833-C-T.
Other names: c.2873G>A, p.Arg958His (NM_001017402.2, NM_001127641.1); short protein forms R958H.
Identifiers: ClinVar variation 295077 (VCV000295077.13), dbSNP rs142984572, ClinGen allele CA1375075.

ClinVar aggregate classification (germline): Uncertain significance. Review status: criteria provided, multiple submitters, no conflicts (2 of 4 stars). 4 submissions from 4 submitters: Uncertain significance (4). Last evaluated 2026-01-19.

Conditions:
Junctional epidermolysis bullosa gravis of Herlitz. Also called: Herlitz-type junctional epidermolysis bullosa; EPIDERMOLYSIS BULLOSA JUNCTIONALIS, HERLITZ TYPE; EPIDERMOLYSIS BULLOSA, JUNCTIONAL, HERLITZ-PEARSON TYPE; JEB-HERLITZ TYPE; Epidermolysis Bullosa Letalis; EPIDERMOLYSIS BULLOSA, JUNCTIONAL 1B, SEVERE. Identifiers: Orphanet 79404, MedGen C0079683, MONDO:0009182, OMIM 226700.
Junctional epidermolysis bullosa. Identifiers: Orphanet 305, MedGen C0079301, MONDO:0017612.

Allele frequency attached by ClinVar (database versions not stated): TOPMed 0.00029; ESP Exome Variant Server 0.00077.
gnomAD v4.1: 763 of 1,614,098 alleles (0.047%); highest among the groups gnomAD compares: Non-Finnish European, 0.057%; 1 homozygote.

Submissions (4):

Labcorp Genetics (formerly Invitae), Labcorp
Classification: Uncertain significance. Last evaluated: 2026-01-19. Review status: criteria provided, single submitter. Criteria: Invitae Variant Classification Sherloc (09022015). Collection method: clinical testing. Allele origin: germline.
Comment: This sequence change replaces arginine, which is basic and polar, with histidine, which is basic and polar, at codon 958 of the LAMB3 protein (p.Arg958His). This variant is present in population databases (rs142984572, gnomAD 0.06%). This variant has not been reported in the literature in individuals affected with LAMB3-related conditions. ClinVar contains an entry for this variant (Variation ID: 295077). Invitae Evidence Modeling of protein sequence and biophysical properties (such as structural, functional, and spatial information, amino acid conservation, physicochemical variation, residue mobility, and thermodynamic stability) indicates that this missense variant is expected to disrupt LAMB3 protein function with a positive predictive value of 80%. In summary, the available evidence is currently insufficient to determine the role of this variant in disease. Therefore, it has been classified as a Variant of Uncertain Significance.

Revvity Omics, Revvity
Classification: Uncertain significance. Last evaluated: 2022-06-30. Review status: criteria provided, single submitter. Criteria: ACMG Guidelines, 2015. Collection method: clinical testing. Allele origin: germline.

Genome-Nilou Lab
Classification: Uncertain significance for Junctional epidermolysis bullosa gravis of Herlitz. Last evaluated: 2021-05-18. Review status: criteria provided, single submitter. Criteria: ACMG Guidelines, 2015. Collection method: clinical testing. Allele origin: germline. Affected: no.

Illumina Laboratory Services, Illumina
Classification: Uncertain significance for Junctional epidermolysis bullosa. Last evaluated: 2018-01-13. Review status: criteria provided, single submitter. Criteria: ICSL Variant Classification Criteria 13 December 2019. Collection method: clinical testing. Allele origin: germline.